The following is an entry in ClinVar:

NM_017739.4(POMGNT1):c.277A>G (p.Ser93Gly)

Gene: POMGNT1 (protein O-linked mannose N-acetylglucosaminyltransferase 1 (beta 1,2-); minus strand). Cytogenetic location: 1p34.1.
Variant type: single nucleotide variant.
Coding change: c.277A>G on transcript NM_017739.4 (MANE Select); coding-DNA position 277, A replaced by G.
Protein change: p.Ser93Gly; replaces serine 93 with glycine.
Molecular consequence: missense variant. On other transcripts: 5 prime UTR variant (1).
Genome position (GRCh38, 1-based): chr1:46,196,808, T>C on the plus strand (A>G on the coding strand, the complement: POMGNT1 is on the minus strand). VCF-style: chr1-46196808-T-C. GRCh37 (hg19) VCF-style: chr1-46662480-T-C.
Other names: c.211A>G, p.Ser71Gly (NM_001290129.3); c.-153A>G (NM_001290130.2); c.277A>G, p.Ser93Gly (NM_001410783.1, NM_001243766.2); short protein forms S93G, S71G.
Identifiers: ClinVar variation 297537 (VCV000297537.9), dbSNP rs751402236, ClinGen allele CA833801.

ClinVar aggregate classification (germline): Uncertain significance. Review status: criteria provided, multiple submitters, no conflicts (2 of 4 stars). 5 submissions from 4 submitters: Uncertain significance (5). Last evaluated 2025-08-18.

Conditions:
Congenital Muscular Dystrophy, alpha-dystroglycan related.
Muscular dystrophy-dystroglycanopathy (congenital with impaired intellectual development), type B, 3. Also called: Muscular dystrophy-dystroglycanopathy (congenital with intellectual disability), type B3; MUSCULAR DYSTROPHY, CONGENITAL, POMGNT1-RELATED. Identifiers: MedGen C3150412, MONDO:0013155, OMIM 613151.
Autosomal recessive limb-girdle muscular dystrophy type 2O. Also called: MUSCULAR DYSTROPHY-DYSTROGLYCANOPATHY, LIMB-GIRDLE, POMGNT1-RELATED; Limb-Girdle Muscular Dystrophy Type 3C; MUSCULAR DYSTROPHY-DYSTROGLYCANOPATHY (LIMB-GIRDLE), TYPE C, 3. Identifiers: Orphanet 206564, MedGen C3150417, MONDO:0013161, OMIM 613157.
Inborn genetic diseases. Identifiers: MedGen C0950123, MeSH D030342.

Allele frequency attached by ClinVar (database versions not stated): gnomAD 0.00003 and 0.00002; gnomAD exomes 0.00001 and 0.00003; ExAC 0.00001; TOPMed 0.00002.
gnomAD v4.1: 53 of 1,614,100 alleles (0.0033%); highest among the groups gnomAD compares: Non-Finnish European, 0.0042%; no homozygotes.

Submissions (5):

Labcorp Genetics (formerly Invitae), Labcorp
Classification: Uncertain significance for Autosomal recessive limb-girdle muscular dystrophy type 2O; Muscular dystrophy-dystroglycanopathy (congenital with impaired intellectual development), type B, 3. Last evaluated: 2025-08-18. Review status: criteria provided, single submitter. Criteria: Invitae Variant Classification Sherloc (09022015). Collection method: clinical testing. Allele origin: germline.
Comment: This sequence change replaces serine, which is neutral and polar, with glycine, which is neutral and non-polar, at codon 93 of the POMGNT1 protein (p.Ser93Gly). This variant is present in population databases (rs751402236, gnomAD 0.003%). This variant has not been reported in the literature in individuals affected with POMGNT1-related conditions. ClinVar contains an entry for this variant (Variation ID: 297537). Invitae Evidence Modeling of protein sequence and biophysical properties (such as structural, functional, and spatial information, amino acid conservation, physicochemical variation, residue mobility, and thermodynamic stability) indicates that this missense variant is not expected to disrupt POMGNT1 protein function with a negative predictive value of 95%. In summary, the available evidence is currently insufficient to determine the role of this variant in disease. Therefore, it has been classified as a Variant of Uncertain Significance.

Ambry Genetics
Classification: Uncertain significance for Inborn genetic diseases. Last evaluated: 2024-11-10. Review status: criteria provided, single submitter. Criteria: Ambry Variant Classification Scheme 2023. Collection method: clinical testing. Allele origin: germline.

Blueprint Genetics
Classification: Uncertain significance. Last evaluated: 2023-08-07. Review status: criteria provided, single submitter. Criteria: ACMG Guidelines, 2015. Collection method: clinical testing. Allele origin: germline.

Illumina Laboratory Services, Illumina
Classification: Uncertain significance for Congenital Muscular Dystrophy, alpha-dystroglycan related. Last evaluated: 2018-01-12. Review status: criteria provided, single submitter. Criteria: ICSL Variant Classification Criteria 13 December 2019. Collection method: clinical testing. Allele origin: germline.

Illumina Laboratory Services, Illumina
Classification: Uncertain significance for Autosomal recessive limb-girdle muscular dystrophy type 2O. Last evaluated: 2018-01-12. Review status: criteria provided, single submitter. Criteria: ICSL Variant Classification Criteria 13 December 2019. Collection method: clinical testing. Allele origin: germline.